The following is an entry in ClinVar:

ClinVar aggregate classification (germline): Uncertain significance (1 of 4 stars; one submission).

Conditions:
Osteoporosis with pseudoglioma (OPPG). Also called: osteoporosis-pseudoglioma syndrome. Identifiers: Orphanet 2788, MedGen C0432252, MONDO:0009820, OMIM 259770.

gnomAD v4.1: 6 of 1,603,426 alleles (0.00037%); highest among the groups gnomAD compares: African/African-American, 0.0013%; no homozygotes.

Submission:

Dasa
Classification: Uncertain significance for osteoporosis-pseudoglioma syndrome. Last evaluated: 2026-01-20. Review status: criteria provided, single submitter. Criteria: DASA Assertion Criteria. Collection method: clinical testing. Allele origin: germline.
Comment: NM_002335.4(LRP5):c.3427+4C>T is a splice-region variant. This variant is rare in population databases. Computational prediction algorithms are consistent with a benign effect. The currently available literature and clinical evidence are not sufficient to establish a definitive association between this variant and the reported condition. Therefore, this variant is classified as a variant of uncertain significance.

NM_002335.4(LRP5):c.3427+4C>T

Gene: LRP5 (LDL receptor related protein 5; plus strand). Cytogenetic location: 11q13.2.
Variant type: single nucleotide variant.
Coding change: c.3427+4C>T on transcript NM_002335.4 (MANE Select); 4 bases into the intron after coding-DNA position 3427, C replaced by T.
Molecular consequence: intron variant.
Genome position (GRCh38, 1-based): chr11:68,425,296, C>T. VCF-style: chr11-68425296-C-T. GRCh37 (hg19) VCF-style: chr11-68192764-C-T.
Other names: c.1684+4C>T (NM_001291902.2).
Identifiers: ClinVar variation 4882689 (VCV004882689.2).
Genomic context (GRCh38, chr11:68,425,296, plus strand): 5'-GCAAGCTGTTCTGGGTGGACGCGGACCTGAAGCGCATTGAGAGCTGTGACCTGTCAGGTA[C>T]GCGCCCCGGGGCCTGCCCTAACCGCAGACACCCGGCCTTCATTGTCAGTAATGGCAGCAG-3'